The following is an entry in ClinVar:

ClinVar aggregate classification (germline): Likely benign. Review status: criteria provided, single submitter (1 of 4 stars). 2 submissions from 2 submitters: Likely benign (1). 1 of the submissions does not count toward it. Last evaluated 2019-12-31.

Conditions:
PLXND1-related disorder. Also called: PLXND1-related condition.

Allele frequency attached by ClinVar (database versions not stated): gnomAD 0.00002 and 0.00003; gnomAD exomes 0.00006 and 0.00002; TOPMed 0.00003; ExAC 0.00002.
gnomAD v4.1: 54 of 1,584,896 alleles (0.0034%); highest among the groups gnomAD compares: South Asian, 0.02%; 1 homozygote.

Submissions (2):

Labcorp Genetics (formerly Invitae), Labcorp
Classification: Likely benign. Last evaluated: 2019-12-31. Review status: criteria provided, single submitter. Criteria: Invitae Variant Classification Sherloc (09022015). Collection method: clinical testing. Allele origin: germline.

PreventionGenetics, part of Exact Sciences
Classification: Likely benign for PLXND1-related condition. Last evaluated: 2019-07-12. Review status: no assertion criteria provided. Collection method: clinical testing. Allele origin: germline. Not counted in ClinVar's aggregate classification.
Comment: This variant is classified as likely benign based on ACMG/AMP sequence variant interpretation guidelines (Richards et al. 2015 PMID: 25741868, with internal and published modifications).

NM_015103.3(PLXND1):c.1641C>T (p.Ala547=)

Gene: PLXND1 (plexin D1; minus strand). Cytogenetic location: 3q22.1.
Variant type: single nucleotide variant.
Coding change: c.1641C>T on transcript NM_015103.3 (MANE Select); coding-DNA position 1641, C replaced by T.
Protein change: p.Ala547=; no amino-acid change (alanine 547 retained).
Molecular consequence: synonymous variant.
Genome position (GRCh38, 1-based): chr3:129,586,252, G>A on the plus strand (C>T on the coding strand, the complement: PLXND1 is on the minus strand). VCF-style: chr3-129586252-G-A. GRCh37 (hg19) VCF-style: chr3-129305095-G-A.
Identifiers: ClinVar variation 720179 (VCV000720179.6), dbSNP rs371402946, ClinGen allele CA2609301.